The following is an entry in ClinVar:

ClinVar aggregate classification (germline): Uncertain significance (1 of 4 stars; one submission).

Conditions:
Hereditary cancer-predisposing syndrome. Also called: Hereditary Cancer Syndrome; Hereditary neoplastic syndrome; Neoplastic Syndromes, Hereditary; Tumor predisposition. Identifiers: Orphanet 140162, MedGen C0027672, MeSH D009386, MONDO:0015356.

Submission:

Ambry Genetics
Classification: Uncertain significance for Hereditary cancer-predisposing syndrome. Last evaluated: 2025-12-04. Review status: criteria provided, single submitter. Criteria: Ambry Variant Classification Scheme 2023. Collection method: clinical testing. Allele origin: germline.
Comment: The p.W1430L variant (also known as c.4289G>T), located in coding exon 33 of the TSC2 gene, results from a G to T substitution at nucleotide position 4289. The tryptophan at codon 1430 is replaced by leucine, an amino acid with similar properties. This amino acid position is well conserved in available vertebrate species. In addition, the in silico prediction for this alteration is inconclusive. Based on the available evidence, the clinical significance of this variant remains unclear.

NM_000548.5(TSC2):c.4289G>T (p.Trp1430Leu)

Gene: TSC2 (TSC complex subunit 2; plus strand). Cytogenetic location: 16p13.3.
Variant type: single nucleotide variant.
Coding change: c.4289G>T on transcript NM_000548.5 (MANE Select); coding-DNA position 4289, G replaced by T.
Protein change: p.Trp1430Leu; replaces tryptophan 1430 with leucine.
Molecular consequence: missense variant.
Genome position (GRCh38, 1-based): chr16:2,084,511, G>T. VCF-style: chr16-2084511-G-T. GRCh37 (hg19) VCF-style: chr16-2134512-G-T.
Other names: c.4073G>T, p.Trp1358Leu (NM_001406675.1); c.3941G>T, p.Trp1314Leu (NM_001406679.1); c.4070G>T, p.Trp1357Leu (NM_001406676.1); c.4031G>T, p.Trp1344Leu (NM_001406677.1); c.3977G>T, p.Trp1326Leu (NM_001406678.1); c.4088G>T, p.Trp1363Leu (NM_001077183.3); c.4220G>T, p.Trp1407Leu (NM_001114382.3); c.3980G>T, p.Trp1327Leu (NM_001318827.2); and 26 more; short protein forms W1163L, W1164L, W1186L, W1207L, W1344L, W1364L, W1404L, W1430L.
Identifiers: ClinVar variation 1739402 (VCV001739402.3), dbSNP rs45507198, ClinGen allele CA394300989.